The following is an entry in ClinVar:

ClinVar aggregate classification (germline): Pathogenic/Likely pathogenic. Review status: criteria provided, multiple submitters, no conflicts (2 of 4 stars). 7 submissions from 7 submitters: Pathogenic (6); Likely pathogenic (1). Last evaluated 2025-08-08.

Conditions:
Medium-chain acyl-coenzyme A dehydrogenase deficiency (ACADMD). Also called: MCAD Deficiency; ACADM DEFICIENCY; Medium chain acyl-CoA dehydrogenase deficiency; MCADD; CARNITINE DEFICIENCY SECONDARY TO MEDIUM-CHAIN ACYL-CoA DEHYDROGENASE DEFICIENCY; MCADH DEFICIENCY. Identifiers: Orphanet 42, MedGen C0220710, MONDO:0008721, OMIM 201450.

Allele frequency attached by ClinVar (database versions not stated): TOPMed below 0.00001; gnomAD 0.00001.
gnomAD v4.1: 2 of 1,613,838 alleles (0.00012%); highest among the groups gnomAD compares: East Asian, 0.0022%; no homozygotes.

Submissions (7):

Natera, Inc.
Classification: Pathogenic for Medium Chain Acyl-CoA Dehydrogenase Deficiency. Last evaluated: 2025-08-08. Review status: criteria provided, single submitter. Criteria: Natera Variant Classification Schema (03/2026). Collection method: clinical testing. Allele origin: germline.
Comment: The c.430A>T variant in ACADM is a nonsense variant predicted to introduce a stop codon at amino acid 144. This variant is expected to result in nonsense mediated decay, truncation, or a dysfunctional protein product. This variant is rare in the general population with a frequency below the threshold expected for the associated phenotype(s). This variant has been observed in one or more individuals affected with the associated recessive disease, as either homozygous or compound heterozygous with a second variant (PMID: 33580884). Given the available evidence, this variant is classified as Pathogenic.

Labcorp Genetics (formerly Invitae), Labcorp
Classification: Pathogenic for Medium-chain acyl-coenzyme A dehydrogenase deficiency. Last evaluated: 2025-06-06. Review status: criteria provided, single submitter. Criteria: Invitae Variant Classification Sherloc (09022015). Collection method: clinical testing. Allele origin: germline.
Comment: This sequence change creates a premature translational stop signal (p.Lys144*) in the ACADM gene. It is expected to result in an absent or disrupted protein product. Loss-of-function variants in ACADM are known to be pathogenic (PMID: 16121256, 20434380). This variant is not present in population databases (gnomAD no frequency). This premature translational stop signal has been observed in individual(s) with clinical features of medium chain acyl-CoA dehydrogenase deficiency (PMID: 15171998, 33580884). ClinVar contains an entry for this variant (Variation ID: 1708368). Algorithms developed to predict the effect of sequence changes on RNA splicing suggest that this variant may disrupt the consensus splice site. For these reasons, this variant has been classified as Pathogenic.

Fulgent Genetics
Classification: Pathogenic for Medium-chain acyl-coenzyme A dehydrogenase deficiency. Last evaluated: 2024-05-06. Review status: criteria provided, single submitter. Criteria: ACMG Guidelines, 2015. Collection method: clinical testing. Allele origin: germline.

Baylor Genetics
Classification: Pathogenic for Medium-chain acyl-coenzyme A dehydrogenase deficiency. Last evaluated: 2024-03-04. Review status: criteria provided, single submitter. Criteria: ACMG Guidelines, 2015. Collection method: clinical testing. Allele origin: unknown.

CeGaT Center for Human Genetics Tuebingen
Classification: Pathogenic. Last evaluated: 2023-08-01. Review status: criteria provided, single submitter. Criteria: CeGaT Center For Human Genetics Tuebingen Variant Classification Criteria Version 2. Collection method: clinical testing. Allele origin: germline. Affected: yes. Observed: 1 variant allele.
Comment: ACADM: PVS1, PM2

Centre of Medical Genetics, University Hospital Muenster
Classification: Likely pathogenic. Last evaluated: 2021-12-20. Review status: criteria provided, single submitter. Criteria: ACMG Guidelines, 2015. Collection method: clinical testing. Allele origin: unknown. Affected: yes. Observed: 1 variant allele, 1 heterozygote.
Comment: ACMG categories: PVS1,PM2

Juno Genomics, Hangzhou Juno Genomics, Inc
Classification: Pathogenic for Medium-chain acyl-coenzyme A dehydrogenase deficiency. Review status: criteria provided, single submitter. Criteria: ACMG Guidelines, 2015. Collection method: clinical testing. Allele origin: germline.
Comment: Absent from controls (or at extremely low frequency if recessive) in Genome Aggregation Database.;Null variant in a gene where loss of function (LOF) is a known mechanism of disease.;For recessive disorders, detected in trans with a pathogenic variant.

Literature cited by the submitters: PubMed 33580884 (cited by Natera, Inc. and Labcorp Genetics (formerly Invitae), Labcorp); PubMed 16121256 (cited by Labcorp Genetics (formerly Invitae), Labcorp); PubMed 20434380 (cited by Labcorp Genetics (formerly Invitae), Labcorp); PubMed 15171998 (cited by Labcorp Genetics (formerly Invitae), Labcorp).

NM_000016.6(ACADM):c.430A>T (p.Lys144Ter)

Gene: ACADM (acyl-CoA dehydrogenase medium chain; plus strand). Cytogenetic location: 1p31.1.
Variant type: single nucleotide variant.
Coding change: c.430A>T on transcript NM_000016.6 (MANE Select); coding-DNA position 430, A replaced by T.
Protein change: p.Lys144Ter; replaces lysine 144 with a stop codon.
Molecular consequence: nonsense. On other transcripts: intron variant (1).
Genome position (GRCh38, 1-based): chr1:75,734,833, A>T. VCF-style: chr1-75734833-A-T. GRCh37 (hg19) VCF-style: chr1-76200518-A-T.
Other names: c.442A>T, p.Lys148Ter (NM_001127328.3); c.322A>T, p.Lys108Ter (NM_001286042.2); c.529A>T, p.Lys177Ter (NM_001286043.2); c.-100+1911A>T (NM_001286044.2); short protein forms K108*, K144*, K148*, K177*.
Identifiers: ClinVar variation 1708368 (VCV001708368.34), dbSNP rs1442356585, ClinGen allele CA340812902.